The following is an entry in ClinVar:

NM_021969.3(NR0B2):c.569_665delinsCTGG (p.His190_Ser222delinsProGly)

Genes: NR0B2 (nuclear receptor subfamily 0 group B member 2; minus strand), NUDC (nuclear distribution C, dynein complex regulator; plus strand). Cytogenetic location: 1p36.11.
Variant type: Indel.
Coding change: c.569_665delinsCTGG on transcript NM_021969.3 (MANE Select); coding-DNA positions 569 to 665, the reference bases replaced by CTGG.
Protein change: p.His190_Ser222delinsProGly.
Molecular consequence: inframe indel.
Genome position (GRCh38, 1-based): chr1:26,911,954-26,912,050, 97 bases replaced. GRCh37 (hg19): chr1:27,238,445-27,238,541.
Identifiers: ClinVar variation 4986563 (VCV004986563.1).

ClinVar aggregate classification (germline): Uncertain significance (1 of 4 stars; one submission).

Conditions:
NR0B2-related disorder. Also called: NR0B2-related condition.

Submission:

PreventionGenetics, part of Exact Sciences
Classification: Uncertain significance for NR0B2-related condition. Last evaluated: 2025-10-06. Review status: criteria provided, single submitter. Criteria: ACMG Guidelines, 2015. Collection method: clinical testing. Allele origin: germline.
Comment: The NR0B2 c.569_665delinsCTGG variant is predicted to result in an in-frame deletion and insertion. To our knowledge, this variant has not been reported in the literature or in a large population database (gnomAD), indicating this variant is rare. At this time, the clinical significance of this variant is uncertain due to the absence of conclusive functional and genetic evidence.